The following is an entry in ClinVar:

NM_020964.3(EPG5):c.6787C>G (p.His2263Asp)

Gene: EPG5 (ectopic P-granules 5 autophagy tethering factor; minus strand). Cytogenetic location: 18q12.3.
Variant type: single nucleotide variant.
Coding change: c.6787C>G on transcript NM_020964.3 (MANE Select); coding-DNA position 6787, C replaced by G.
Protein change: p.His2263Asp; replaces histidine 2263 with aspartic acid.
Molecular consequence: missense variant.
Genome position (GRCh38, 1-based): chr18:45,860,326, G>C on the plus strand (C>G on the coding strand, the complement: EPG5 is on the minus strand). VCF-style: chr18-45860326-G-C. GRCh37 (hg19) VCF-style: chr18-43440291-G-C.
Other names: c.6787C>G, p.His2263Asp (LRG_1234t1); short protein forms H2263D.
Identifiers: ClinVar variation 652181 (VCV000652181.11), dbSNP rs201639757, ClinGen allele CA8948147.

ClinVar aggregate classification (germline): Uncertain significance. Review status: criteria provided, multiple submitters, no conflicts (2 of 4 stars). 3 submissions from 3 submitters: Uncertain significance (3). Last evaluated 2026-01-27.

Conditions:
Inborn genetic diseases. Identifiers: MedGen C0950123, MeSH D030342.
Vici syndrome (VICIS). Identifiers: Orphanet 1493, MedGen C1855772, MONDO:0009452, OMIM 242840.

Allele frequency attached by ClinVar (database versions not stated): ExAC 0.00007; gnomAD exomes 0.00007; gnomAD 0.00034 and 0.00036; TOPMed 0.00036; ESP Exome Variant Server 0.00063.
gnomAD v4.1: 97 of 1,614,132 alleles (0.006%); highest among the groups gnomAD compares: African/African-American, 0.12%; no homozygotes.

Submissions (3):

Women's Health and Genetics/Laboratory Corporation of America, LabCorp
Classification: Uncertain significance. Last evaluated: 2026-01-27. Review status: criteria provided, single submitter. Criteria: LabCorp Variant Classification Summary - May 2015. Collection method: clinical testing. Allele origin: germline.
Comment: Variant summary: EPG5 c.6787C>G (p.His2263Asp) results in a non-conservative amino acid change in the encoded protein sequence. Algorithms developed to predict the effect of missense changes on protein structure and function are either unavailable or do not agree on the potential impact of this missense change. The variant allele was found at a frequency of 7.2e-05 in 248848 control chromosomes. This frequency is not significantly higher than estimated for disease-causing variants in EPG5, allowing no conclusion about variant significance. To our knowledge, no occurrence of c.6787C>G in individuals affected with EPG5-related conditions and no experimental evidence demonstrating its impact on protein function have been reported. ClinVar contains an entry for this variant (Variation ID: 652181). Based on the evidence outlined above, the variant was classified as uncertain significance.

Labcorp Genetics (formerly Invitae), Labcorp
Classification: Uncertain significance for Vici syndrome. Last evaluated: 2026-01-26. Review status: criteria provided, single submitter. Criteria: Invitae Variant Classification Sherloc (09022015). Collection method: clinical testing. Allele origin: germline.
Comment: This sequence change replaces histidine, which is basic and polar, with aspartic acid, which is acidic and polar, at codon 2263 of the EPG5 protein (p.His2263Asp). This variant is present in population databases (rs201639757, gnomAD 0.1%). This variant has not been reported in the literature in individuals affected with EPG5-related conditions. ClinVar contains an entry for this variant (Variation ID: 652181). Invitae Evidence Modeling of protein sequence and biophysical properties (such as structural, functional, and spatial information, amino acid conservation, physicochemical variation, residue mobility, and thermodynamic stability) has been performed for this missense variant. However, the output from this modeling did not meet the statistical confidence thresholds required to predict the impact of this variant on EPG5 protein function. In summary, the available evidence is currently insufficient to determine the role of this variant in disease. Therefore, it has been classified as a Variant of Uncertain Significance.

Ambry Genetics
Classification: Uncertain significance for Inborn genetic diseases. Last evaluated: 2024-06-25. Review status: criteria provided, single submitter. Criteria: Ambry Variant Classification Scheme 2023. Collection method: clinical testing. Allele origin: germline.